The following is an entry in ClinVar:

ClinVar aggregate classification (germline): Uncertain significance (1 of 4 stars; one submission).

Conditions:
MARS1-related disorder. Also called: MARS1-related condition.

Submission:

PreventionGenetics, part of Exact Sciences
Classification: Uncertain significance for MARS1-related condition. Last evaluated: 2025-04-30. Review status: criteria provided, single submitter. Criteria: ACMG Guidelines, 2015. Collection method: clinical testing. Allele origin: germline.
Comment: The MARS1 c.2694_2703del10 variant is predicted to result in a frameshift and premature protein termination (p.Lys899Argfs*12). xxxxxxxxxxxxxxxxxxxxxxxxxxxxxxxxxxx which is predicted to result in a frameshift and extension of the normal open reading frame (p.Lys899Argfs*12) (the canonical stop codon is at position p.901). To our knowledge, this variant has not been reported in the literature or in a large population database (gnomAD), indicating this variant is rare. At this time, the clinical significance of this variant is uncertain due to the absence of conclusive functional and genetic evidence.

NM_004990.4(MARS1):c.2694_2703del (p.Lys899fs)

Gene: MARS1 (methionyl-tRNA synthetase 1; plus strand). Cytogenetic location: 12q13.3.
Variant type: Deletion.
Coding change: c.2694_2703del on transcript NM_004990.4 (MANE Select); coding-DNA positions 2694 to 2703, 10 bases deleted (GAAAAAGTAA; older notation c.2694_2703delGAAAAAGTAA).
Protein change: p.Lys899fs; shifts the reading frame from lysine 899.
Molecular consequence: frameshift variant.
Genome position (GRCh38, 1-based): chr12:57,516,572-57,516,581, GAAAAAGTAA deleted; deleting any 10 consecutive bases within chr12:57,516,570-57,516,581 gives the same sequence; the c. name uses the placement nearest the transcript's 3' end. VCF-style (leftmost placement, unchanged base first): chr12-57516569-GAAGAAAAAGT-G. GRCh37 (hg19) VCF-style: chr12-57910352-GAAGAAAAAGT-G.
Other names: short protein forms K899fs.
Identifiers: ClinVar variation 4983438 (VCV004983438.1).
Genomic context (GRCh38, chr12:57,516,569, plus strand): 5'-GGATCTAAAGAAACAGTTGGCTGTAGCTGAGGGGAAACCCCCTGAAGCCCCTAAAGGCAA[GAAGAAAAAGT>G]AAAAGACCTTGGCTCATAGAAAGTCACTTTAATAGATAGGGACAGTAATAAATAAATGTA-3'